The following is an entry in ClinVar:

NM_000535.7(PMS2):c.308C>A (p.Thr103Asn)

Gene: PMS2 (PMS1 homolog 2, mismatch repair system component; minus strand). Cytogenetic location: 7p22.1.
Variant type: single nucleotide variant.
Coding change: c.308C>A on transcript NM_000535.7 (MANE Select); coding-DNA position 308, C replaced by A.
Protein change: p.Thr103Asn; replaces threonine 103 with asparagine.
Molecular consequence: missense variant. On other transcripts: 5 prime UTR variant (9), non-coding transcript variant (1), intron variant (2).
Genome position (GRCh38, 1-based): chr7:6,003,735, G>T on the plus strand (C>A on the coding strand, the complement: PMS2 is on the minus strand). VCF-style: chr7-6003735-G-T. GRCh37 (hg19) VCF-style: chr7-6043366-G-T.
Other names: c.-98C>A (NM_001018040.1, NM_001322003.2, NM_001322004.2 and 14 more transcripts); c.308C>A, p.Thr103Asn (NM_001322006.2, NM_001322014.2, NM_001406869.1 and 8 more transcripts); c.-577C>A (NM_001322011.2, NM_001322012.2); c.-177C>A (NM_001322015.2, NM_001406875.1, NM_001406877.1 and 3 more transcripts); c.494C>A, p.Thr165Asn (NM_001406866.1); c.332C>A, p.Thr111Asn (NM_001406868.1); c.-88C>A (NM_001406890.1); c.35+237C>A (NM_001322008.2, NM_001322007.2); short protein forms T111N, T103N, T165N.
Identifiers: ClinVar variation 1727431 (VCV001727431.2), dbSNP rs1562693788, ClinGen allele CA366744610.

ClinVar aggregate classification (germline): Uncertain significance (1 of 4 stars; one submission).

Conditions:
Hereditary cancer-predisposing syndrome. Also called: Tumor predisposition; Neoplastic Syndromes, Hereditary; Hereditary Cancer Syndrome; Hereditary neoplastic syndrome. Identifiers: Orphanet 140162, MedGen C0027672, MeSH D009386, MONDO:0015356.

Submission:

Ambry Genetics
Classification: Uncertain significance for Hereditary cancer-predisposing syndrome. Last evaluated: 2022-03-15. Review status: criteria provided, single submitter. Criteria: Ambry Variant Classification Scheme 2023. Collection method: clinical testing. Allele origin: germline.
Comment: The p.T103N variant (also known as c.308C>A), located in coding exon 4 of the PMS2 gene, results from a C to A substitution at nucleotide position 308. The threonine at codon 103 is replaced by asparagine, an amino acid with similar properties. This amino acid position is highly conserved in available vertebrate species. In addition, this alteration is predicted to be deleterious by in silico analysis. Since supporting evidence is limited at this time, the clinical significance of this alteration remains unclear.